The following is an entry in ClinVar:

NM_001206927.2(DNAH8):c.10550G>A (p.Arg3517Gln)

Genes: DNAH8 (dynein axonemal heavy chain 8; plus strand), DNAH8-AS1 (DNAH8 antisense RNA 1; minus strand). Cytogenetic location: 6p21.2.
Variant type: single nucleotide variant.
Coding change: c.10550G>A on transcript NM_001206927.2 (MANE Select); coding-DNA position 10550, G replaced by A.
Protein change: p.Arg3517Gln; replaces arginine 3517 with glutamine.
Molecular consequence: missense variant.
Genome position (GRCh38, 1-based): chr6:38,921,394, G>A. VCF-style: chr6-38921394-G-A. GRCh37 (hg19) VCF-style: chr6-38889170-G-A.
Other names: c.9899G>A, p.Arg3300Gln (NM_001371.4); short protein forms R3300Q, R3517Q.
Identifiers: ClinVar variation 1984313 (VCV001984313.1), dbSNP rs779240075, ClinGen allele CA3790761.

ClinVar aggregate classification (germline): Uncertain significance (1 of 4 stars; one submission).

Conditions:
Primary ciliary dyskinesia. Also called: Ciliary dyskinesia. Identifiers: Orphanet 244, MedGen C0008780, MONDO:0016575, HP:0012265.

Allele frequency attached by ClinVar (database versions not stated): gnomAD exomes 0.00001; ExAC 0.00002.
gnomAD v4.1: 14 of 1,613,522 alleles (0.00087%); highest among the groups gnomAD compares: South Asian, 0.0022%; no homozygotes.

Submission:

Labcorp Genetics (formerly Invitae), Labcorp
Classification: Uncertain significance for Primary ciliary dyskinesia. Last evaluated: 2022-10-12. Review status: criteria provided, single submitter. Criteria: Invitae Variant Classification Sherloc (09022015). Collection method: clinical testing. Allele origin: germline.
Comment: This sequence change replaces arginine, which is basic and polar, with glutamine, which is neutral and polar, at codon 3517 of the DNAH8 protein (p.Arg3517Gln). This variant is present in population databases (rs779240075, gnomAD 0.004%). This variant has not been reported in the literature in individuals affected with DNAH8-related conditions. Advanced modeling of protein sequence and biophysical properties (such as structural, functional, and spatial information, amino acid conservation, physicochemical variation, residue mobility, and thermodynamic stability) performed at Invitae indicates that this missense variant is not expected to disrupt DNAH8 protein function. In summary, the available evidence is currently insufficient to determine the role of this variant in disease. Therefore, it has been classified as a Variant of Uncertain Significance.